The following is an entry in ClinVar:

NM_000085.5(CLCNKB):c.787_791del (p.Ile263fs)

Genes: CLCNKB (chloride voltage-gated channel Kb; plus strand), LOC106501713 (CLCNKB recombination region; plus strand). Cytogenetic location: 1p36.13.
Variant type: Deletion.
Coding change: c.787_791del on transcript NM_000085.5 (MANE Select); coding-DNA positions 787 to 791, 5 bases deleted (ATCAC; older notation c.787_791delATCAC).
Protein change: p.Ile263fs; shifts the reading frame from isoleucine 263.
Molecular consequence: frameshift variant.
Genome position (GRCh38, 1-based): chr1:16,049,623-16,049,627, ATCAC deleted; deleting any 5 consecutive bases within chr1:16,049,622-16,049,627 gives the same sequence; the c. name uses the placement nearest the transcript's 3' end. VCF-style (leftmost placement, unchanged base first): chr1-16049621-CCATCA-C. GRCh37 (hg19) VCF-style: chr1-16376116-CCATCA-C.
Other names: c.280_284del, p.Ile94fs (NM_001165945.2); short protein forms I263fs, I94fs.
Identifiers: ClinVar variation 3731343 (VCV003731343.1).

ClinVar aggregate classification (germline): Likely pathogenic (1 of 4 stars; one submission).

Conditions:
Bartter disease type 3. Also called: Bartter syndrome type 3. Identifiers: Orphanet 112, Orphanet 93605, MedGen C1846343, MONDO:0011822, OMIM 607364.

Submission:

Neuberg Centre For Genomic Medicine, NCGM
Classification: Likely pathogenic for Bartter disease type 3. Last evaluated: 2023-06-22. Review status: criteria provided, single submitter. Criteria: ACMG Guidelines, 2015. Collection method: clinical testing. Allele origin: germline. Inheritance: Autosomal recessive inheritance. Affected: yes.
Comment: The frameshift c.787_791del (p.Ile263LeufsTer17) variant in CLCNKB gene has not been reported previously as a pathogenic variant nor as a benign variant, to our knowledge. The p.Ile263LeufsTer17 variant is absent in gnomAD exomes database. This variant has not been submitted to the ClinVar database. This variant causes a frameshift starting with codon Isoleucine 263, changes this amino acid to Leucine residue, and creates a premature Stop codon at position 17 of the new reading frame, denoted p.Ile263LeufsTer17. This variant is predicted to cause loss of normal protein function through protein truncation. Loss of function variants have been previously reported to be disease causing. For these reasons, this variant has been classified as Likely Pathogenic.